The following is an entry in ClinVar:

ClinVar aggregate classification (germline): Conflicting classifications of pathogenicity. Review status: criteria provided, conflicting classifications (1 of 4 stars). 4 submissions from 4 submitters: Pathogenic (1); Likely pathogenic (2); Uncertain significance (1). Last evaluated 2025-10-01.

Conditions:
C5ORF42-related disorders.

Allele frequency attached by ClinVar (database versions not stated): gnomAD exomes 0.00001; TOPMed 0.00001.
gnomAD v4.1: 8 of 1,614,006 alleles (0.0005%); highest among the groups gnomAD compares: Admixed American, 0.0017%; no homozygotes.

Submissions (4):

CeGaT Center for Human Genetics Tuebingen
Classification: Likely pathogenic. Last evaluated: 2025-10-01. Review status: criteria provided, single submitter. Criteria: CeGaT Center For Human Genetics Tuebingen Variant Classification Criteria Version 2. Collection method: clinical testing. Allele origin: germline. Affected: yes. Observed: 1 variant allele.
Comment: CPLANE1: PM3:Strong, PM1, PM2, PM5, BP4

Dasa
Classification: Uncertain significance. Last evaluated: 2025-08-04. Review status: criteria provided, single submitter. Criteria: DASA Assertion Criteria. Collection method: clinical testing. Allele origin: germline.
Comment: NM_001384732.1(CPLANE1):c.3550C>T (p.Arg1184Cys) is a missense variant that results in the substitution of arginine with cysteine. This variant has been recurrently observed in individuals with CPLANE1-related disorders (PMID: 24178751; PMID: 29605658). Also, this variant is rare in population databases. Computational prediction algorithms are consistent with a deleterious effect. The currently available literature and clinical evidence are not sufficient to establish a definitive association between this variant and the reported condition. Therefore, this variant is classified as a variant of uncertain significance.

Labcorp Genetics (formerly Invitae), Labcorp
Classification: Pathogenic. Last evaluated: 2023-01-16. Review status: criteria provided, single submitter. Criteria: Invitae Variant Classification Sherloc (09022015). Collection method: clinical testing. Allele origin: germline.
Comment: For these reasons, this variant has been classified as Pathogenic. Advanced modeling of protein sequence and biophysical properties (such as structural, functional, and spatial information, amino acid conservation, physicochemical variation, residue mobility, and thermodynamic stability) performed at Invitae indicates that this missense variant is expected to disrupt CPLANE1 protein function. This missense change has been observed in individual(s) with CPLANE1-related conditions (PMID: 24178751, 29605658). In at least one individual the data is consistent with being in trans (on the opposite chromosome) from a pathogenic variant. This variant is present in population databases (no rsID available, gnomAD 0.0009%). This sequence change replaces arginine, which is basic and polar, with cysteine, which is neutral and slightly polar, at codon 1184 of the CPLANE1 protein (p.Arg1184Cys).

Blueprint Genetics
Classification: Likely pathogenic for C5ORF42-related disorders. Last evaluated: 2022-09-16. Review status: criteria provided, single submitter. Criteria: ACMG Guidelines, 2015. Collection method: clinical testing. Allele origin: germline. Affected: yes. Observed: 2 variant alleles.

Literature cited by the submitters: PubMed 24178751 (cited by Dasa and Labcorp Genetics (formerly Invitae), Labcorp); PubMed 29605658 (cited by Dasa and Labcorp Genetics (formerly Invitae), Labcorp).

NM_001384732.1(CPLANE1):c.3550C>T (p.Arg1184Cys)

Gene: CPLANE1 (ciliogenesis and planar polarity effector complex subunit 1; minus strand). Cytogenetic location: 5p13.2.
Variant type: single nucleotide variant.
Coding change: c.3550C>T on transcript NM_001384732.1 (MANE Select); coding-DNA position 3550, C replaced by T.
Protein change: p.Arg1184Cys; replaces arginine 1184 with cysteine.
Molecular consequence: missense variant.
Genome position (GRCh38, 1-based): chr5:37,198,824, G>A on the plus strand (C>T on the coding strand, the complement: CPLANE1 is on the minus strand). VCF-style: chr5-37198824-G-A. GRCh37 (hg19) VCF-style: chr5-37198926-G-A.
Other names: c.3550C>T, p.Arg1184Cys (NM_023073.4); short protein forms R1184C.
Identifiers: ClinVar variation 2734719 (VCV002734719.12), dbSNP rs1434631255, ClinGen allele CA359511735.
Genomic context (GRCh38, chr5:37,198,824, plus strand): 5'-AACACTGAGCCGCCCGGAAAAGCAGGAGAACACGCTGAAGGATTCCAGATACCTTCTGGC[G>A]ATTATTTTTTTCAGCTTTTAAAAGAAGATCATCACCATCTTCCTGAGGAAAATAAAACAA-3'
Protein context (NP_001371661.1, residues 1174-1194): DLLLKAEKNN[Arg1184Cys]QKVSGILQRV